The following is an entry in ClinVar:

ClinVar aggregate classification (germline): Likely pathogenic (1 of 4 stars; one submission).

Conditions:
Junctional epidermolysis bullosa gravis of Herlitz. Also called: Herlitz-type junctional epidermolysis bullosa; Epidermolysis Bullosa Letalis; EPIDERMOLYSIS BULLOSA, JUNCTIONAL 1B, SEVERE; EPIDERMOLYSIS BULLOSA JUNCTIONALIS, HERLITZ TYPE; EPIDERMOLYSIS BULLOSA, JUNCTIONAL, HERLITZ-PEARSON TYPE; JEB-HERLITZ TYPE. Identifiers: Orphanet 79404, MedGen C0079683, MONDO:0009182, OMIM 226700.

Submission:

Myriad Genetics, Inc.
Classification: Likely pathogenic for Junctional epidermolysis bullosa gravis of Herlitz. Last evaluated: 2020-03-05. Review status: criteria provided, single submitter. Criteria: Myriad Women's Health Autosomal Recessive and X-Linked Classification Criteria (2019). Collection method: clinical testing. Allele origin: unknown.
Comment: NM_000228.2(LAMB3):c.1479C>A(C493*) is expected to be pathogenic in the context of Herlitz junctional epidermolysis bullosa, LAMB3-related. This variant is predicted to lead to an abnormal or absent protein product due to the creation of a premature termination codon in LAMB3, a gene where loss-of-function variants are known to be pathogenic. Please note: this variant was assessed in the context of healthy population screening.

NM_000228.3(LAMB3):c.1479C>A (p.Cys493Ter)

Gene: LAMB3 (laminin subunit beta 3; minus strand). Cytogenetic location: 1q32.2.
Variant type: single nucleotide variant.
Coding change: c.1479C>A on transcript NM_000228.3 (MANE Select); coding-DNA position 1479, C replaced by A.
Protein change: p.Cys493Ter; replaces cysteine 493 with a stop codon.
Molecular consequence: nonsense.
Genome position (GRCh38, 1-based): chr1:209,627,389, G>T on the plus strand (C>A on the coding strand, the complement: LAMB3 is on the minus strand). VCF-style: chr1-209627389-G-T. GRCh37 (hg19) VCF-style: chr1-209800734-G-T.
Other names: c.1479C>A, p.Cys493Ter (NM_001017402.2, NM_001127641.1); short protein forms C493*.
Identifiers: ClinVar variation 983940 (VCV000983940.3), dbSNP rs1447665931, ClinGen allele CA344590960.